The following is an entry in ClinVar:

ClinVar aggregate classification (germline): Uncertain significance (1 of 4 stars; one submission).

Conditions:
Cardiovascular phenotype. Identifiers: MedGen CN230736.

Allele frequency attached by ClinVar (database versions not stated): gnomAD exomes below 0.00001.
gnomAD v4.1: 1 of 1,614,108 alleles (0.000062%); highest among the groups gnomAD compares: Non-Finnish European, 0.000085%; no homozygotes.

Submission:

Ambry Genetics
Classification: Uncertain significance for Cardiovascular phenotype. Last evaluated: 2024-02-09. Review status: criteria provided, single submitter. Criteria: Ambry Variant Classification Scheme 2023. Collection method: clinical testing. Allele origin: germline.
Comment: The p.T1706I variant (also known as c.5117C>T), located in coding exon 26 of the APOB gene, results from a C to T substitution at nucleotide position 5117. The threonine at codon 1706 is replaced by isoleucine, an amino acid with similar properties. This amino acid position is conserved. In addition, this alteration is predicted to be tolerated by in silico analysis. Since supporting evidence is limited at this time, the clinical significance of this alteration remains unclear.

NM_000384.3(APOB):c.5117C>T (p.Thr1706Ile)

Gene: APOB (apolipoprotein B; minus strand). Cytogenetic location: 2p24.1.
Variant type: single nucleotide variant.
Coding change: c.5117C>T on transcript NM_000384.3 (MANE Select); coding-DNA position 5117, C replaced by T.
Protein change: p.Thr1706Ile; replaces threonine 1706 with isoleucine.
Molecular consequence: missense variant.
Genome position (GRCh38, 1-based): chr2:21,011,751, G>A on the plus strand (C>T on the coding strand, the complement: APOB is on the minus strand). VCF-style: chr2-21011751-G-A. GRCh37 (hg19) VCF-style: chr2-21234623-G-A.
Other names: short protein forms T1706I.
Identifiers: ClinVar variation 1745439 (VCV001745439.2), dbSNP rs1301793195, ClinGen allele CA346005435.